The following is an entry in ClinVar:

NM_001330260.2(SCN8A):c.638T>C (p.Leu213Pro)

Gene: SCN8A (sodium voltage-gated channel alpha subunit 8; plus strand). Cytogenetic location: 12q13.13.
Variant type: single nucleotide variant.
Coding change: c.638T>C on transcript NM_001330260.2 (MANE Select); coding-DNA position 638, T replaced by C.
Protein change: p.Leu213Pro; replaces leucine 213 with proline.
Molecular consequence: missense variant. On other transcripts: intron variant (2).
Genome position (GRCh38, 1-based): chr12:51,689,028, T>C. VCF-style: chr12-51689028-T-C. GRCh37 (hg19) VCF-style: chr12-52082812-T-C.
Other names: c.638T>C, p.Leu213Pro (NM_001369788.1); c.706+179T>C (NM_014191.4, NM_001177984.3); short protein forms L213P.
Identifiers: ClinVar variation 2036663 (VCV002036663.4), dbSNP rs2540159145, ClinGen allele CA385224481.
Genomic context (GRCh38, chr12:51,689,028, plus strand): 5'-TGTCACTTGTGTCTGTGTGTGACCTCCCTTACTACAGATATGTGACAGAGTTTGTGGACC[T>C]GGGCAATGTCTCAGCGCTGAGAACATTCAGGGTTCTCCGAGCTTTGAAAACTATCTCTGT-3'
Protein context (NP_001317189.1, residues 203-223): MMAYVTEFVD[Leu213Pro]GNVSALRTFR

ClinVar aggregate classification (germline): Uncertain significance (1 of 4 stars; one submission).

Conditions:
Early-infantile DEE. Also called: Ohtahara syndrome; Early infantile epileptic encephalopathy with suppression bursts; Early infantile epileptic encephalopathy. Identifiers: Orphanet 1934, MedGen C0393706, MONDO:0800491.

Submission:

Labcorp Genetics (formerly Invitae), Labcorp
Classification: Uncertain significance for Early-infantile DEE. Last evaluated: 2022-10-24. Review status: criteria provided, single submitter. Criteria: Invitae Variant Classification Sherloc (09022015). Collection method: clinical testing. Allele origin: germline.
Comment: The SCN8A gene has multiple clinically relevant transcripts. This variant occurs in alternate transcript NM_001330260.1, and corresponds to NM_014191.3:c.706+179T>C in the primary transcript. This sequence change replaces leucine, which is neutral and non-polar, with proline, which is neutral and non-polar, at codon 213 of the SCN8A protein (p.Leu213Pro). This variant is not present in population databases (gnomAD no frequency). This variant has not been reported in the literature in individuals affected with SCN8A-related conditions. Experimental studies and prediction algorithms are not available or were not evaluated, and the functional significance of this variant is currently unknown. In summary, the available evidence is currently insufficient to determine the role of this variant in disease. Therefore, it has been classified as a Variant of Uncertain Significance.